The following is an entry in ClinVar:

ClinVar aggregate classification (germline): Uncertain significance (1 of 4 stars; one submission).

Submission:

Labcorp Genetics (formerly Invitae), Labcorp
Classification: Uncertain significance. Last evaluated: 2019-08-20. Review status: criteria provided, single submitter. Criteria: Invitae Variant Classification Sherloc (09022015). Collection method: clinical testing. Allele origin: germline.
Comment: This sequence change affects codon 160 of the PDE6C mRNA. It is a 'silent' change, meaning that it does not change the encoded amino acid sequence of the PDE6C protein. This variant also falls at the last nucleotide of exon 1 of the PDE6C coding sequence, which is part of the consensus splice site for this exon. In summary, the available evidence is currently insufficient to determine the role of this variant in disease. Therefore, it has been classified as a Variant of Uncertain Significance. Nucleotide substitutions within the consensus splice site are a relatively common cause of aberrant splicing (PMID: 17576681, 9536098). Algorithms developed to predict the effect of sequence changes on RNA splicing suggest that this variant may disrupt the consensus splice site, but this prediction has not been confirmed by published transcriptional studies. This variant has not been reported in the literature in individuals with PDE6C-related conditions. This variant is not present in population databases (ExAC no frequency).

Literature cited by the submitters: PubMed 17576681; PubMed 9536098.

NM_006204.4(PDE6C):c.480G>A (p.Lys160=)

Gene: PDE6C (phosphodiesterase 6C; plus strand). Cytogenetic location: 10q23.33.
Variant type: single nucleotide variant.
Coding change: c.480G>A on transcript NM_006204.4 (MANE Select); coding-DNA position 480, G replaced by A.
Protein change: p.Lys160=; no amino-acid change (lysine 160 retained).
Molecular consequence: synonymous variant.
Genome position (GRCh38, 1-based): chr10:93,613,205, G>A. VCF-style: chr10-93613205-G-A. GRCh37 (hg19) VCF-style: chr10-95372962-G-A.
Identifiers: ClinVar variation 964361 (VCV000964361.7), dbSNP rs765296989, ClinGen allele CA470984744.